The following is an entry in ClinVar:

NM_024513.4(FYCO1):c.1474C>T (p.Arg492Trp)

Gene: FYCO1 (FYVE and coiled-coil domain autophagy adaptor 1; minus strand). Cytogenetic location: 3p21.31.
Variant type: single nucleotide variant.
Coding change: c.1474C>T on transcript NM_024513.4 (MANE Select); coding-DNA position 1474, C replaced by T.
Protein change: p.Arg492Trp; replaces arginine 492 with tryptophan.
Molecular consequence: missense variant.
Genome position (GRCh38, 1-based): chr3:45,967,860, G>A on the plus strand (C>T on the coding strand, the complement: FYCO1 is on the minus strand). VCF-style: chr3-45967860-G-A. GRCh37 (hg19) VCF-style: chr3-46009352-G-A.
Other names: short protein forms R492W.
Identifiers: ClinVar variation 345523 (VCV000345523.53), dbSNP rs143704916, ClinGen allele CA2353244.

ClinVar aggregate classification (germline): Benign/Likely benign. Review status: criteria provided, multiple submitters, no conflicts (2 of 4 stars). 6 submissions from 6 submitters: Benign (2); Likely benign (3). 1 of the submissions does not count toward it. Last evaluated 2025-12-24.

Conditions:
FYCO1-related disorder. Also called: FYCO1-related condition.
Cataract 18 (CATC2). Also called: CATARACT 18, AUTOSOMAL RECESSIVE. Identifiers: Orphanet 91492, Orphanet 98991, Orphanet 98992, Orphanet 98995, MedGen C1864908, MONDO:0012395, OMIM 610019.

Allele frequency attached by ClinVar (database versions not stated): 1000 Genomes Project 30x 0.00172; 1000 Genomes Project 0.00180; gnomAD exomes 0.00229; gnomAD 0.00258 and 0.00265; ESP Exome Variant Server 0.00261; ExAC 0.00265; TOPMed 0.00335.
gnomAD v4.1: 4,103 of 1,613,890 alleles (0.25%); highest among the groups gnomAD compares: Admixed American, 0.41%; 16 homozygotes.

Submissions (9):

Labcorp Genetics (formerly Invitae), Labcorp
Classification: Benign for Cataract 18. Last evaluated: 2025-12-24. Review status: criteria provided, single submitter. Criteria: Invitae Variant Classification Sherloc (09022015). Collection method: clinical testing. Allele origin: germline.

CeGaT Center for Human Genetics Tuebingen
Classification: Likely benign. Last evaluated: 2022-10-01. Review status: criteria provided, single submitter. Criteria: CeGaT Center For Human Genetics Tuebingen Variant Classification Criteria Version 2. Collection method: clinical testing. Allele origin: germline. Affected: yes. Observed: 2 variant alleles.
Comment: FYCO1: BP4

GeneDx
Classification: Benign. Last evaluated: 2021-02-25. Review status: criteria provided, single submitter. Criteria: GeneDx Variant Classification Process June 2021. Collection method: clinical testing. Allele origin: germline. Affected: yes.

Illumina Laboratory Services, Illumina
Classification: Likely benign for Cataract 18. Last evaluated: 2018-01-13. Review status: criteria provided, single submitter. Criteria: ICSL Variant Classification Criteria 13 December 2019. Collection method: clinical testing. Allele origin: germline.
Comment: This variant was observed in the ICSL laboratory as part of a predisposition screen in an ostensibly healthy population. It had not been previously curated by ICSL or reported in the Human Gene Mutation Database (HGMD: prior to June 1st, 2018), and was therefore a candidate for classification through an automated scoring system. Utilizing variant allele frequency, disease prevalence and penetrance estimates, and inheritance mode, an automated score was calculated to assess if this variant is too frequent to cause the disease. Based on the score and internal cut-off values, a variant classified as likely benign is not then subjected to further curation. The score for this variant resulted in a classification of likely benign for this disease.

Breakthrough Genomics
Classification: Likely benign. Review status: criteria provided, single submitter. Criteria: ACMG Guidelines, 2015. Collection method: not provided. Allele origin: germline. Inheritance: Autosomal recessive inheritance. Affected: yes.

PreventionGenetics, part of Exact Sciences
Classification: Likely benign for FYCO1-related condition. Last evaluated: 2020-07-22. Review status: no assertion criteria provided. Collection method: clinical testing. Allele origin: germline. Not counted in ClinVar's aggregate classification.
Comment: This variant is classified as likely benign based on ACMG/AMP sequence variant interpretation guidelines (Richards et al. 2015 PMID: 25741868, with internal and published modifications).

Dr. Peter K. Rogan Lab, Western University
No classification provided (evidence only). Condition: Sarcoma. Review status: no classification provided. Collection method: in vitro. Allele origin: not applicable. Functional consequence: retained intron. Not counted in ClinVar's aggregate classification.

Dr. Peter K. Rogan Lab, Western University
No classification provided (evidence only). Condition: Thymoma. Review status: no classification provided. Collection method: in vitro. Allele origin: not applicable. Functional consequence: retained intron. Not counted in ClinVar's aggregate classification.

Dr. Peter K. Rogan Lab, Western University
No classification provided (evidence only). Condition: Gastric cancer. Review status: no classification provided. Collection method: in vitro. Allele origin: not applicable. Functional consequence: retained intron. Not counted in ClinVar's aggregate classification.